The following is an entry in ClinVar:

NM_022765.4(MICAL1):c.-27A>G

Gene: MICAL1 (microtubule associated monooxygenase, calponin and LIM domain containing 1; minus strand). Cytogenetic location: 6q21.
Variant type: single nucleotide variant.
Coding change: c.-27A>G on transcript NM_022765.4 (MANE Select); 27 bases upstream of the start codon, A replaced by G.
Molecular consequence: 5 prime UTR variant. On other transcripts: missense variant (1).
Genome position (GRCh38, 1-based): chr6:109,454,223, T>C on the plus strand (A>G on the coding strand, the complement: MICAL1 is on the minus strand). VCF-style: chr6-109454223-T-C. GRCh37 (hg19) VCF-style: chr6-109775426-T-C.
Other names: c.-27A>G (NM_001159291.2); c.31A>G, p.Ser11Gly (NM_001286613.2); short protein forms S11G.
Identifiers: ClinVar variation 2716928 (VCV002716928.3), dbSNP rs2482818439, ClinGen allele CA365234737.

ClinVar aggregate classification (germline): Uncertain significance (1 of 4 stars; one submission).

Submission:

Labcorp Genetics (formerly Invitae), Labcorp
Classification: Uncertain significance. Last evaluated: 2023-05-25. Review status: criteria provided, single submitter. Criteria: Invitae Variant Classification Sherloc (09022015). Collection method: clinical testing. Allele origin: germline.
Comment: Algorithms developed to predict the effect of sequence changes on RNA splicing suggest that this variant may create or strengthen a splice site. Experimental studies and prediction algorithms are not available or were not evaluated, and the functional significance of this variant is currently unknown. This variant has not been reported in the literature in individuals affected with MICAL1-related conditions. This variant is not present in population databases (gnomAD no frequency). This sequence change replaces serine, which is neutral and polar, with glycine, which is neutral and non-polar, at codon 11 of the MICAL1 protein (p.Ser11Gly). In summary, the available evidence is currently insufficient to determine the role of this variant in disease. Therefore, it has been classified as a Variant of Uncertain Significance.